The following is an entry in ClinVar:

ClinVar aggregate classification (germline): Uncertain significance (1 of 4 stars; one submission).

gnomAD v4.1: 1 of 1,610,904 alleles (0.000062%); highest among the groups gnomAD compares: Non-Finnish European, 0.000085%; no homozygotes.

Submission:

Labcorp Genetics (formerly Invitae), Labcorp
Classification: Uncertain significance. Last evaluated: 2025-07-09. Review status: criteria provided, single submitter. Criteria: Invitae Variant Classification Sherloc (09022015). Collection method: clinical testing. Allele origin: germline.
Comment: This sequence change replaces serine, which is neutral and polar, with proline, which is neutral and non-polar, at codon 24 of the POC5 protein (p.Ser24Pro). This variant is not present in population databases (gnomAD no frequency). This variant has not been reported in the literature in individuals affected with POC5-related conditions. An algorithm developed to predict the effect of missense changes on protein structure and function (PolyPhen-2) suggests that this variant is likely to be disruptive. In summary, the available evidence is currently insufficient to determine the role of this variant in disease. Therefore, it has been classified as a Variant of Uncertain Significance.

NM_001099271.2(POC5):c.70T>C (p.Ser24Pro)

Gene: POC5 (POC5 centriolar protein; minus strand). Cytogenetic location: 5q13.3.
Variant type: single nucleotide variant.
Coding change: c.70T>C on transcript NM_001099271.2 (MANE Select); coding-DNA position 70, T replaced by C.
Protein change: p.Ser24Pro; replaces serine 24 with proline.
Molecular consequence: missense variant.
Genome position (GRCh38, 1-based): chr5:75,712,868, A>G on the plus strand (T>C on the coding strand, the complement: POC5 is on the minus strand). VCF-style: chr5-75712868-A-G. GRCh37 (hg19) VCF-style: chr5-75008693-A-G.
Other names: short protein forms S24P.
Identifiers: ClinVar variation 4773768 (VCV004773768.1).